The following is an entry in ClinVar:

ClinVar aggregate classification (germline): Uncertain significance (1 of 4 stars; one submission).

Conditions:
Cardiovascular phenotype. Identifiers: MedGen CN230736.

Submission:

Ambry Genetics
Classification: Uncertain significance for Cardiovascular phenotype. Last evaluated: 2023-03-27. Review status: criteria provided, single submitter. Criteria: Ambry Variant Classification Scheme 2023. Collection method: clinical testing. Allele origin: germline.
Comment: The p.P183R variant (also known as c.548C>G), located in coding exon 6 of the EMD gene, results from a C to G substitution at nucleotide position 548. The proline at codon 183 is replaced by arginine, an amino acid with dissimilar properties. This amino acid position is well conserved in available vertebrate species. In addition, the in silico prediction for this alteration is inconclusive. Since supporting evidence is limited at this time, the clinical significance of this alteration remains unclear.

Literature cited by the submitters: PubMed 31069529.

NM_000117.3(EMD):c.548C>G (p.Pro183Arg)

Gene: EMD (emerin; plus strand). Cytogenetic location: Xq28.
Variant type: single nucleotide variant.
Coding change: c.548C>G on transcript NM_000117.3 (MANE Select); coding-DNA position 548, C replaced by G.
Protein change: p.Pro183Arg; replaces proline 183 with arginine.
Molecular consequence: missense variant.
Genome position (GRCh38, 1-based): chrX:154,380,980, C>G. VCF-style: chrX-154380980-C-G. GRCh37 (hg19) VCF-style: chrX-153609340-C-G.
Other names: short protein forms P183R.
Identifiers: ClinVar variation 2566143 (VCV002566143.2), dbSNP rs104894805, ClinGen allele CA16020697.
Genomic context (GRCh38, chrX:154,380,980, plus strand): 5'-GCATCACGCACTACCGCCCTGTTTCAGCCTCCAGGAGCTCCCTGGACCTGTCCTATTATC[C>G]TACTTCCTCCTCCACCTCTTTTATGTCCTCCTCATCATCTTCCTCTTCATGGCTCACCCG-3'
Protein context (NP_000108.1, residues 173-193): SRSSLDLSYY[Pro183Arg]TSSSTSFMSS